The following is an entry in ClinVar:

ClinVar aggregate classification (germline): Likely pathogenic (1 of 4 stars; one submission).

Conditions:
Intellectual developmental disorder with cardiac defects and dysmorphic facies (IDDCDF). Identifiers: Orphanet 562569, MedGen C5193024, MONDO:0032672, OMIM 618316.

Submission:

First Genomix Gene Laboratory, Genetic Diagnostics Department
Classification: Likely pathogenic for Intellectual developmental disorder with cardiac defects and dysmorphic facies. Last evaluated: 2025-09-15. Review status: criteria provided, single submitter. Criteria: ACMG Guidelines, 2015. Collection method: clinical testing. Allele origin: germline. Inheritance: Autosomal recessive inheritance. Affected: no. Observed: 1 variant allele.

NM_014738.6(TMEM94):c.33_42del (p.Pro12fs)

Gene: TMEM94 (transmembrane protein 94; plus strand). Cytogenetic location: 17q25.1.
Variant type: Deletion.
Coding change: c.33_42del on transcript NM_014738.6 (MANE Select); coding-DNA positions 33 to 42, 10 bases deleted (TCCCTCAGCC; older notation c.33_42delTCCCTCAGCC).
Protein change: p.Pro12fs; shifts the reading frame from proline 12.
Molecular consequence: frameshift variant.
Genome position (GRCh38, 1-based): chr17:75,485,436-75,485,445, TCCCTCAGCC deleted; deleting any 10 consecutive bases within chr17:75,485,432-75,485,445 gives the same sequence; the c. name uses the placement nearest the transcript's 3' end. VCF-style (leftmost placement, unchanged base first): chr17-75485431-GAGCCTCCCTC-G. GRCh37 (hg19) VCF-style: chr17-73481512-GAGCCTCCCTC-G.
Other names: c.63_72del, p.Pro22fs (NM_001438843.1, NM_001438846.1, NM_001321148.2 and 1 more transcripts); c.33_42del, p.Pro12fs (NM_001438844.1, NM_001438845.1, NM_001438847.1 and 5 more transcripts); c.33_42delTCCCTCAGCC (NM_014738.6); short protein forms P12fs, P22fs.
Identifiers: ClinVar variation 4850322 (VCV004850322.1).